The following is an entry in ClinVar:

ClinVar aggregate classification (germline): Likely benign. Review status: criteria provided, multiple submitters, no conflicts (2 of 4 stars). 2 submissions from 2 submitters: Likely benign (2). Last evaluated 2026-02-12.

Conditions:
DNMT1-related disorder. Also called: DNMT1-related condition. Identifiers: MedGen CN381527.
Hereditary sensory neuropathy-deafness-dementia syndrome. Also called: Hereditary sensory neuropathy type IE; HSN IE; NEUROPATHY, HEREDITARY SENSORY, WITH HEARING LOSS AND DEMENTIA; Hereditary Sensory and Autonomic Neuropathy Type 1E (HSAN1E). Identifiers: Orphanet 456318, MedGen C3279885, MONDO:0013584, OMIM 614116.

Allele frequency attached by ClinVar (database versions not stated): TOPMed 0.00001; gnomAD 0.00002.
gnomAD v4.1: 34 of 1,614,036 alleles (0.0021%); highest among the groups gnomAD compares: African/African-American, 0.0027%; no homozygotes.

Submissions (2):

PreventionGenetics, part of Exact Sciences
Classification: Likely benign for DNMT1-related condition. Last evaluated: 2026-02-12. Review status: criteria provided, single submitter. Criteria: ACMG Guidelines, 2015. Collection method: clinical testing. Allele origin: germline.
Comment: This variant is classified as likely benign based on ACMG/AMP sequence variant interpretation guidelines (Richards et al. 2015 PMID: 25741868, with internal and published modifications).

Labcorp Genetics (formerly Invitae), Labcorp
Classification: Likely benign for Hereditary sensory neuropathy-deafness-dementia syndrome. Last evaluated: 2023-07-24. Review status: criteria provided, single submitter. Criteria: Invitae Variant Classification Sherloc (09022015). Collection method: clinical testing. Allele origin: germline.

NM_001130823.3(DNMT1):c.1614G>A (p.Ser538=)

Gene: DNMT1 (DNA methyltransferase 1; minus strand). Cytogenetic location: 19p13.2.
Variant type: single nucleotide variant.
Coding change: c.1614G>A on transcript NM_001130823.3 (MANE Select); coding-DNA position 1614, G replaced by A.
Protein change: p.Ser538=; no amino-acid change (serine 538 retained).
Molecular consequence: synonymous variant.
Genome position (GRCh38, 1-based): chr19:10,154,935, C>T on the plus strand (G>A on the coding strand, the complement: DNMT1 is on the minus strand). VCF-style: chr19-10154935-C-T. GRCh37 (hg19) VCF-style: chr19-10265611-C-T.
Other names: c.1614G>A (NM_001130823.2); c.1566G>A, p.Ser522= (NM_001318730.2, NM_001379.4); c.1251G>A, p.Ser417= (NM_001318731.2).
Identifiers: ClinVar variation 1117166 (VCV001117166.10), dbSNP rs1459010920, ClinGen allele CA505345472.